The following is an entry in ClinVar:

NM_000069.3(CACNA1S):c.5583C>T (p.His1861=)

Gene: CACNA1S (calcium voltage-gated channel subunit alpha1 S; minus strand). Cytogenetic location: 1q32.1.
Variant type: single nucleotide variant.
Coding change: c.5583C>T on transcript NM_000069.3 (MANE Select); coding-DNA position 5583, C replaced by T.
Protein change: p.His1861=; no amino-acid change (histidine 1861 retained).
Molecular consequence: synonymous variant.
Genome position (GRCh38, 1-based): chr1:201,039,870, G>A on the plus strand (C>T on the coding strand, the complement: CACNA1S is on the minus strand). VCF-style: chr1-201039870-G-A. GRCh37 (hg19) VCF-style: chr1-201008998-G-A.
Identifiers: ClinVar variation 1086734 (VCV001086734.11), dbSNP rs764110964, ClinGen allele CA422714493.
Genomic context (GRCh38, chr1:201,039,870, plus strand): 5'-CATGCTGATGCTGTGTGGGCATCACAGCCTTGGAGGAATAAGGGTCTCCTGGGAGCCCTG[G>A]TGTTGGTCGAGGCTGCCCAGGGAGGACCCGAGGTTCAGGCATCCCAGGGAGCTGGCCATG-3'
Protein context (NP_000060.2, residues 1851-1871): LGSSLGSLDQ[His1861=]QGSQETLIPP

ClinVar aggregate classification (germline): Likely benign. Review status: criteria provided, multiple submitters, no conflicts (2 of 4 stars). 3 submissions from 3 submitters: Likely benign (3). Last evaluated 2025-10-01.

Conditions:
Malignant hyperthermia, susceptibility to, 5 (MHS5). Also called: CACNA1S-Related Malignant Hyperthermia Susceptibility. Identifiers: Orphanet 423, MedGen C1866077, MONDO:0011163, OMIM 601887.
Hypokalemic periodic paralysis, type 1. Also called: HypoPP; Hypokalemic Periodic Paralysis Type 1 (AD). Identifiers: Orphanet 681, MedGen C3714580, MONDO:0042979, OMIM 170400.

Allele frequency attached by ClinVar (database versions not stated): gnomAD 0.00001.

Submissions (3):

Labcorp Genetics (formerly Invitae), Labcorp
Classification: Likely benign for Hypokalemic periodic paralysis, type 1; Malignant hyperthermia, susceptibility to, 5. Last evaluated: 2025-10-01. Review status: criteria provided, single submitter. Criteria: Invitae Variant Classification Sherloc (09022015). Collection method: clinical testing. Allele origin: germline.

All of Us Research Program, National Institutes of Health
Classification: Likely benign for Malignant hyperthermia, susceptibility to, 5. Last evaluated: 2023-08-15. Review status: criteria provided, single submitter. Criteria: ACMG Guidelines, 2015. Collection method: clinical testing. Allele origin: germline. Inheritance: Autosomal dominant inheritance. Observed: 3 variant alleles, 3 heterozygotes.
Comment: This study involves interpretation of variants in research participants for the purpose of population health screening. Participant phenotype was not available at the time of variant classification. Additional details can be found in publication PMID: 35346344, PMCID: PMC8962531

Color Diagnostics, LLC DBA Color Health
Classification: Likely benign for Malignant hyperthermia, susceptibility to, 5. Last evaluated: 2023-06-14. Review status: criteria provided, single submitter. Criteria: ACMG Guidelines, 2015. Collection method: clinical testing. Allele origin: germline.